The following is an entry in ClinVar:

ClinVar aggregate classification (germline): Uncertain significance (1 of 4 stars; one submission).

Submission:

Labcorp Genetics (formerly Invitae), Labcorp
Classification: Uncertain significance. Last evaluated: 2025-01-18. Review status: criteria provided, single submitter. Criteria: Invitae Variant Classification Sherloc (09022015). Collection method: clinical testing. Allele origin: germline.
Comment: This variant, c.274_288dup, results in the insertion of 5 amino acid(s) of the DLX6 protein (p.Gln92_His96dup), but otherwise preserves the integrity of the reading frame. The frequency data for this variant in the population databases is considered unreliable, as metrics indicate poor data quality at this position in the gnomAD database. This variant has not been reported in the literature in individuals affected with DLX6-related conditions. In summary, the available evidence is currently insufficient to determine the role of this variant in disease. Therefore, it has been classified as a Variant of Uncertain Significance.

NM_005222.4(DLX6):c.274_288dup (p.His96_Gly97insGlnHisHisHisHis)

Genes: DLX6 (distal-less homeobox 6; plus strand), DLX6-AS1 (DLX6 antisense RNA 1; minus strand). Cytogenetic location: 7q21.3.
Variant type: Duplication.
Coding change: c.274_288dup on transcript NM_005222.4 (MANE Select); coding-DNA positions 274 to 288, 15 bases duplicated (CAGCACCACCACCAC).
Protein change: p.His96_Gly97insGlnHisHisHisHis.
Molecular consequence: inframe insertion.
Genome position (GRCh38, 1-based): chr7:97,006,251-97,006,265, CAGCACCACCACCAC duplicated; duplicating any 15 consecutive bases within chr7:97,006,239-97,006,265 gives the same sequence; the c. name uses the placement nearest the transcript's 3' end. VCF-style (leftmost placement, unchanged base first): chr7-97006238-C-CCACCACCACCACCAG. GRCh37 (hg19) VCF-style: chr7-96635550-C-CCACCACCACCACCAG.
Identifiers: ClinVar variation 3624554 (VCV003624554.2).